The following is an entry in ClinVar:

NM_001042492.3(NF1):c.1578_1582del (p.Ile526fs)

Gene: NF1 (neurofibromin 1; plus strand). Cytogenetic location: 17q11.2.
Variant type: Deletion.
Coding change: c.1578_1582del on transcript NM_001042492.3 (MANE Select); coding-DNA positions 1578 to 1582, 5 bases deleted (TACAG; older notation c.1578_1582delTACAG).
Protein change: p.Ile526fs; shifts the reading frame from isoleucine 526.
Molecular consequence: frameshift variant.
Genome position (GRCh38, 1-based): chr17:31,219,055-31,219,059, TACAG deleted. VCF-style (leftmost placement, unchanged base first): chr17-31219054-TTACAG-T. GRCh37 (hg19) VCF-style: chr17-29546072-TTACAG-T.
Other names: c.1578_1582delTACAG, p.Ile526Metfs (NM_000267.4); c.1578_1582del, p.Ile526fs (NM_001128147.3); short protein forms I526fs.
Identifiers: ClinVar variation 2760802 (VCV002760802.3), dbSNP rs2544840589, ClinGen allele CA2697559694.

ClinVar aggregate classification (germline): Pathogenic (1 of 4 stars; one submission).

Conditions:
Neurofibromatosis, type 1 (NF1). Also called: VON RECKLINGHAUSEN DISEASE; NEUROFIBROMATOSIS, TYPE I, SOMATIC; Peripheral type neurofibromatosis; Neurofibromatosis, type I. Identifiers: Orphanet 636, MedGen C0027831, MONDO:0018975, OMIM 162200. Disease mechanism: loss of function.

Submission:

Labcorp Genetics (formerly Invitae), Labcorp
Classification: Pathogenic for Neurofibromatosis, type 1. Last evaluated: 2023-09-15. Review status: criteria provided, single submitter. Criteria: Invitae Variant Classification Sherloc (09022015). Collection method: clinical testing. Allele origin: germline.
Comment: This variant is not present in population databases (gnomAD no frequency). For these reasons, this variant has been classified as Pathogenic. This variant has not been reported in the literature in individuals affected with NF1-related conditions. This sequence change creates a premature translational stop signal (p.Ile526Metfs*30) in the NF1 gene. It is expected to result in an absent or disrupted protein product. Loss-of-function variants in NF1 are known to be pathogenic (PMID: 10712197, 23913538).

Literature cited by the submitters: PubMed 10712197; PubMed 23913538.